The following is an entry in ClinVar:

NM_006080.3(SEMA3A):c.2238A>G (p.Lys746=)

Gene: SEMA3A (semaphorin 3A; minus strand). Cytogenetic location: 7q21.11.
Variant type: single nucleotide variant.
Coding change: c.2238A>G on transcript NM_006080.3 (MANE Select); coding-DNA position 2238, A replaced by G.
Protein change: p.Lys746=; no amino-acid change (lysine 746 retained).
Molecular consequence: synonymous variant.
Genome position (GRCh38, 1-based): chr7:83,961,449, T>C on the plus strand (A>G on the coding strand, the complement: SEMA3A is on the minus strand). VCF-style: chr7-83961449-T-C. GRCh37 (hg19) VCF-style: chr7-83590765-T-C.
Identifiers: ClinVar variation 748650 (VCV000748650.4), dbSNP rs150285912, ClinGen allele CA4322521.
Genomic context (GRCh38, chr7:83,961,449, plus strand): 5'-CCTCTCAAATTCGTGGGTCCTCCTGTTTCTACCTTTCTTATTTTCTTGTAAGTGCTTCCA[T>C]TTGTTACTGTTCCCTGGGGTATGTCCTGGCCTTTGCCGACGTTGTTTTCGGTCCCTTTTC-3'
Protein context (NP_006071.1, residues 736-756): RPGHTPGNSN[Lys746=]WKHLQENKKG

ClinVar aggregate classification (germline): Likely benign. Review status: criteria provided, single submitter (1 of 4 stars). 2 submissions from 2 submitters: Likely benign (1). 1 of the submissions does not count toward it. Last evaluated 2018-06-06.

Conditions:
SEMA3A-related disorder. Also called: SEMA3A-related condition.

Allele frequency attached by ClinVar (database versions not stated): ExAC 0.00002; gnomAD exomes 0.00003 and 0.00004; TOPMed 0.00003; gnomAD 0.00005 and 0.00006; ESP Exome Variant Server 0.00008.
gnomAD v4.1: 71 of 1,614,022 alleles (0.0044%); highest among the groups gnomAD compares: Non-Finnish European, 0.0054%; no homozygotes.

Submissions (2):

Labcorp Genetics (formerly Invitae), Labcorp
Classification: Likely benign. Last evaluated: 2018-06-06. Review status: criteria provided, single submitter. Criteria: Invitae Variant Classification Sherloc (09022015). Collection method: clinical testing. Allele origin: germline.

PreventionGenetics, part of Exact Sciences
Classification: Likely benign for SEMA3A-related condition. Last evaluated: 2024-02-14. Review status: no assertion criteria provided. Collection method: clinical testing. Allele origin: germline. Not counted in ClinVar's aggregate classification.
Comment: This variant is classified as likely benign based on ACMG/AMP sequence variant interpretation guidelines (Richards et al. 2015 PMID: 25741868, with internal and published modifications).